The following is an entry in ClinVar:

ClinVar aggregate classification (germline): Uncertain significance (1 of 4 stars; one submission).

Conditions:
Retinitis pigmentosa 20 (RP20). Identifiers: Orphanet 791, MedGen C3151086, MONDO:0013425, OMIM 613794.
Leber congenital amaurosis 2 (LCA2). Also called: AMAUROSIS CONGENITA OF LEBER II; Autosomal Recessive RPE65-Related Retinal Degeneration. Identifiers: Orphanet 65, MedGen C1859844, MONDO:0008765, OMIM 204100. Disease mechanism: loss of function.

gnomAD v4.1: 2 of 1,613,858 alleles (0.00012%); highest among the groups gnomAD compares: Non-Finnish European, 0.00017%; no homozygotes.

Submission:

Labcorp Genetics (formerly Invitae), Labcorp
Classification: Uncertain significance for Leber congenital amaurosis 2; Retinitis pigmentosa 20. Last evaluated: 2022-02-03. Review status: criteria provided, single submitter. Criteria: Invitae Variant Classification Sherloc (09022015). Collection method: clinical testing. Allele origin: germline.
Comment: This sequence change replaces threonine, which is neutral and polar, with serine, which is neutral and polar, at codon 18 of the RPE65 protein (p.Thr18Ser). This variant is not present in population databases (gnomAD no frequency). This variant has not been reported in the literature in individuals affected with RPE65-related conditions. ClinVar contains an entry for this variant (Variation ID: 1045254). Algorithms developed to predict the effect of missense changes on protein structure and function (SIFT, PolyPhen-2, Align-GVGD) all suggest that this variant is likely to be tolerated. In summary, the available evidence is currently insufficient to determine the role of this variant in disease. Therefore, it has been classified as a Variant of Uncertain Significance.

NM_000329.3(RPE65):c.53C>G (p.Thr18Ser)

Gene: RPE65 (retinoid isomerohydrolase RPE65; minus strand). Cytogenetic location: 1p31.3.
Variant type: single nucleotide variant.
Coding change: c.53C>G on transcript NM_000329.3 (MANE Select); coding-DNA position 53, C replaced by G.
Protein change: p.Thr18Ser; replaces threonine 18 with serine.
Molecular consequence: missense variant.
Genome position (GRCh38, 1-based): chr1:68,448,665, G>C on the plus strand (C>G on the coding strand, the complement: RPE65 is on the minus strand). VCF-style: chr1-68448665-G-C. GRCh37 (hg19) VCF-style: chr1-68914348-G-C.
Other names: short protein forms T18S.
Identifiers: ClinVar variation 1045254 (VCV001045254.6), dbSNP rs1645959906, ClinGen allele CA340750230.